The following is an entry in ClinVar:

NM_000051.4(ATM):c.368del (p.Tyr123fs)

Gene: ATM (ATM serine/threonine kinase; plus strand). Cytogenetic location: 11q22.3.
Variant type: Deletion.
Coding change: c.368del on transcript NM_000051.4 (MANE Select); coding-DNA position 368, one base deleted (A; older notation c.368delA).
Protein change: p.Tyr123fs; shifts the reading frame from tyrosine 123.
Molecular consequence: frameshift variant.
Genome position (GRCh38, 1-based): chr11:108,235,706, A deleted. VCF-style (leftmost placement, unchanged base first): chr11-108235705-TA-T. GRCh37 (hg19) VCF-style: chr11-108106432-TA-T.
Other names: c.368delA (NM_000051.3); c.368del, p.Tyr123fs (NM_001351834.2); short protein forms Y123fs.
Identifiers: ClinVar variation 181867 (VCV000181867.20), dbSNP rs730881296, ClinGen allele CA298010.

ClinVar aggregate classification (germline): Pathogenic/Likely pathogenic. Review status: criteria provided, multiple submitters, no conflicts (2 of 4 stars). 8 submissions from 8 submitters: Pathogenic (7); Likely pathogenic (1). Last evaluated 2025-08-04.

Conditions:
ATM-related disorder. Also called: ATM-related disorders; ATM-related condition.
Hereditary cancer-predisposing syndrome. Also called: Tumor predisposition; Neoplastic Syndromes, Hereditary; Hereditary neoplastic syndrome; Hereditary Cancer Syndrome. Identifiers: Orphanet 140162, MedGen C0027672, MeSH D009386, MONDO:0015356.
Familial cancer of breast. Also called: BREAST CANCER, FAMILIAL; hereditary breast carcinoma; Hereditary breast cancer. Identifiers: Orphanet 227535, MedGen C0346153, MONDO:0016419, OMIM 114480. Disease mechanism: loss of function.
Ataxia-telangiectasia syndrome (AT). Also called: LOUIS-BAR SYNDROME; Ataxia-telangiectasia, complementation group D; AT, COMPLEMENTATION GROUP C; ATAXIA-TELANGIECTASIA, COMPLEMENTATION GROUP A; ATAXIA-TELANGIECTASIA, FRESNO VARIANT; Ataxia-telangiectasia. Identifiers: Orphanet 100, MedGen C0004135, MONDO:0008840, OMIM 208900.

Allele frequency attached by ClinVar (database versions not stated): gnomAD exomes below 0.00001.

Submissions (8):

Labcorp Genetics (formerly Invitae), Labcorp
Classification: Pathogenic for Ataxia-telangiectasia syndrome. Last evaluated: 2025-08-04. Review status: criteria provided, single submitter. Criteria: Invitae Variant Classification Sherloc (09022015). Collection method: clinical testing. Allele origin: germline.
Comment: This sequence change creates a premature translational stop signal (p.Tyr123Leufs*6) in the ATM gene. It is expected to result in an absent or disrupted protein product. Loss-of-function variants in ATM are known to be pathogenic (PMID: 23807571, 25614872). This variant is not present in population databases (gnomAD no frequency). This premature translational stop signal has been observed in individual(s) with ataxia-telangiectasia and breast cancer (PMID: 10817650, 23360865, 26681312). ClinVar contains an entry for this variant (Variation ID: 181867). For these reasons, this variant has been classified as Pathogenic.

GeneKor MSA
Classification: Pathogenic for Hereditary cancer-predisposing syndrome. Last evaluated: 2025-06-25. Review status: criteria provided, single submitter. Criteria: ACMG Guidelines, 2015. Collection method: clinical testing. Allele origin: germline. Affected: no.
Comment: This variant is a deletion of one nucleotide at exon 5 of ATM gene (c.368delA), causing a translational frameshift with a predicted alternate stop codon after 6 nucleotide residues- p.(Tyr123Leufs*6). This results in the production of a truncated, non-functional protein. Loss-of-function variants in ATM are known to be pathogenic (PMID:23807571, 25614872). This variant is present in population databases (rs730881296) and ClinVar contain entries for this variant (VCV000018186.5). This alteration has been described in patients with breast cancer, as well as in patients with Ataxia-telangiectasia (A-T) (PMID:10817650, 23360865, 26681312). Based on the classification criteria set by the ACMG and AMP (PMID:25741868) this variant has been classified as likely pathogenic.

Baylor Genetics
Classification: Pathogenic for Familial cancer of breast. Last evaluated: 2024-02-22. Review status: criteria provided, single submitter. Criteria: ACMG Guidelines, 2015. Collection method: clinical testing. Allele origin: unknown.

Myriad Genetics, Inc.
Classification: Pathogenic for Familial cancer of breast. Last evaluated: 2024-01-09. Review status: criteria provided, single submitter. Criteria: Myriad Autosomal Dominant, Autosomal Recessive and X-Linked Classification Criteria (2023). Collection method: clinical testing. Allele origin: unknown.
Comment: This variant is considered pathogenic. This variant creates a frameshift predicted to result in premature protein truncation.

Blueprint Genetics
Classification: Likely pathogenic for ATM-related disorders. Last evaluated: 2022-12-09. Review status: criteria provided, single submitter. Criteria: ACMG Guidelines, 2015. Collection method: clinical testing. Allele origin: germline. Affected: yes. Observed: 1 variant allele.

Ambry Genetics
Classification: Pathogenic for Hereditary cancer-predisposing syndrome. Last evaluated: 2022-09-28. Review status: criteria provided, single submitter. Criteria: Ambry Variant Classification Scheme 2023. Collection method: clinical testing. Allele origin: germline.
Comment: The c.368delA pathogenic mutation, located in coding exon 4 of the ATM gene, results from a deletion of one nucleotide at nucleotide position 368, causing a translational frameshift with a predicted alternate stop codon (p.Y123Lfs*6). This alteration has been reported in the literature in multiple patients with a clinical diagnosis of ataxia-telangiectasia (Li A et al. Am. J. Med. Genet. 2000 May;92(3):170-7; Greenberger S et al. J. Am. Acad. Dermatol. 2013 Jun;68(6):932-6; Vilozni D et al. Pediatr. Pulmonol. 2010 Oct;45(10):1030-6). In addition to the clinical data presented in the literature, this alteration is expected to result in loss of function by premature protein truncation or nonsense-mediated mRNA decay. As such, this alteration is interpreted as a disease-causing mutation.

Color Diagnostics, LLC DBA Color Health
Classification: Pathogenic for Hereditary cancer-predisposing syndrome. Last evaluated: 2020-01-15. Review status: criteria provided, single submitter. Criteria: ACMG Guidelines, 2015. Collection method: clinical testing. Allele origin: germline.
Comment: This variant deletes 1 nucleotide in exon 5 of the ATM gene, creating a frameshift and premature translation stop signal. This variant is expected to result in an absent or non-functional protein product. This variant has not been identified in the general population by the Genome Aggregation Database (gnomAD). Loss of ATM function is a known mechanism of disease. Based on the available evidence, this variant is classified as Pathogenic.

GeneDx
Classification: Pathogenic. Last evaluated: 2014-07-23. Review status: criteria provided, single submitter. Criteria: GeneDx Variant Classification (06012015). Collection method: clinical testing. Allele origin: germline. Affected: yes.
Comment: This deletion of one nucleotide is denoted ATM c.368delA at the cDNA level and p.Tyr123LeufsX6 (Y123LfsX6) at the protein level. The normal sequence, with the bases that are deleted in brackets, is AATT[A]TATC. The deletion causes a frameshift, which changes a Tyrosine to a Leucine at codon 123, and creates a premature stop codon at position 6 of the new reading frame. This variant is predicted to cause loss of normal protein function through either protein truncation or nonsense-mediated mRNA decay. ATM c.368delA was reported in a patient with Ataxia-Telangiectasia (Li 2000). we consider this variant to be pathogenic.The presence of

Literature cited by the submitters: PubMed 23807571 (cited by Labcorp Genetics (formerly Invitae), Labcorp and GeneKor MSA); PubMed 25614872 (cited by Labcorp Genetics (formerly Invitae), Labcorp and GeneKor MSA); PubMed 10817650 (cited by 3 submitters); PubMed 23360865 (cited by 3 submitters); PubMed 26681312 (cited by Labcorp Genetics (formerly Invitae), Labcorp and GeneKor MSA); PubMed 20717907 (cited by Ambry Genetics).